The following is an entry in ClinVar:

NM_004336.5(BUB1):c.1031A>G (p.Tyr344Cys)

Gene: BUB1 (BUB1 mitotic checkpoint serine/threonine kinase; minus strand). Cytogenetic location: 2q13.
Variant type: single nucleotide variant.
Coding change: c.1031A>G on transcript NM_004336.5 (MANE Select); coding-DNA position 1031, A replaced by G.
Protein change: p.Tyr344Cys; replaces tyrosine 344 with cysteine.
Molecular consequence: missense variant.
Genome position (GRCh38, 1-based): chr2:110,661,768, T>C on the plus strand (A>G on the coding strand, the complement: BUB1 is on the minus strand). VCF-style: chr2-110661768-T-C. GRCh37 (hg19) VCF-style: chr2-111419345-T-C.
Other names: c.971A>G, p.Tyr324Cys (NM_001278616.2); c.1031A>G, p.Tyr344Cys (NM_001278617.2); short protein forms Y344C, Y324C.
Identifiers: ClinVar variation 1771222 (VCV001771222.5), dbSNP rs146767216, ClinGen allele CA1828174.

ClinVar aggregate classification (germline): Conflicting classifications of pathogenicity. Review status: criteria provided, conflicting classifications (1 of 4 stars). 2 submissions from 2 submitters: Uncertain significance (1); Likely benign (1). Last evaluated 2024-12-11.

Allele frequency attached by ClinVar (database versions not stated): gnomAD exomes 0.00002; gnomAD 0.00004; TOPMed 0.00007; ExAC 0.00018; 1000 Genomes Project 0.00040; 1000 Genomes Project 30x 0.00047.
gnomAD v4.1: 42 of 1,614,230 alleles (0.0026%); highest among the groups gnomAD compares: East Asian, 0.089%; no homozygotes.

Submissions (2):

Labcorp Genetics (formerly Invitae), Labcorp
Classification: Likely benign. Last evaluated: 2024-12-11. Review status: criteria provided, single submitter. Criteria: Invitae Variant Classification Sherloc (09022015). Collection method: clinical testing. Allele origin: germline.

Ambry Genetics
Classification: Uncertain significance. Last evaluated: 2024-09-26. Review status: criteria provided, single submitter. Criteria: Ambry Variant Classification Scheme 2023. Collection method: clinical testing. Allele origin: germline.
Comment: The p.Y344C variant (also known as c.1031A>G), located in coding exon 10 of the BUB1 gene, results from an A to G substitution at nucleotide position 1031. The tyrosine at codon 344 is replaced by cysteine, an amino acid with highly dissimilar properties. This amino acid position is conserved. In addition, this alteration is predicted to be tolerated by in silico analysis. Since supporting evidence is limited at this time, the clinical significance of this alteration remains unclear.